The following is an entry in ClinVar:

NM_020921.4(NIN):c.3871C>T (p.Gln1291Ter)

Gene: NIN (ninein; minus strand). Cytogenetic location: 14q22.1.
Variant type: single nucleotide variant.
Coding change: c.3871C>T on transcript NM_020921.4 (MANE Select); coding-DNA position 3871, C replaced by T.
Protein change: p.Gln1291Ter; replaces glutamine 1291 with a stop codon.
Molecular consequence: nonsense. On other transcripts: intron variant (1).
Genome position (GRCh38, 1-based): chr14:50,757,159, G>A on the plus strand (C>T on the coding strand, the complement: NIN is on the minus strand). VCF-style: chr14-50757159-G-A. GRCh37 (hg19) VCF-style: chr14-51223877-G-A.
Other names: c.3871C>T, p.Gln1291Ter (NM_182944.3, NM_182946.2); c.2400-2292C>T (NM_016350.5); short protein forms Q1291*.
Identifiers: ClinVar variation 4770220 (VCV004770220.1).

ClinVar aggregate classification (germline): Uncertain significance (1 of 4 stars; one submission).

Submission:

Labcorp Genetics (formerly Invitae), Labcorp
Classification: Uncertain significance. Last evaluated: 2025-07-10. Review status: criteria provided, single submitter. Criteria: Invitae Variant Classification Sherloc (09022015). Collection method: clinical testing. Allele origin: germline.
Comment: This sequence change creates a premature translational stop signal (p.Gln1291*) in the NIN gene. It is expected to result in an absent or disrupted protein product. However, the current clinical and genetic evidence is not sufficient to establish whether loss-of-function variants in NIN cause disease. This variant is present in population databases (no rsID available, gnomAD 0.01%). This variant has not been reported in the literature in individuals affected with NIN-related conditions. In summary, the available evidence is currently insufficient to determine the role of this variant in disease. Therefore, it has been classified as a Variant of Uncertain Significance.